The following is an entry in ClinVar:

NM_001378120.1(MBD5):c.61G>A (p.Val21Ile)

Gene: MBD5 (methyl-CpG binding domain protein 5; plus strand). Cytogenetic location: 2q23.1.
Variant type: single nucleotide variant.
Coding change: c.61G>A on transcript NM_001378120.1 (MANE Select); coding-DNA position 61, G replaced by A.
Protein change: p.Val21Ile; replaces valine 21 with isoleucine.
Molecular consequence: missense variant.
Genome position (GRCh38, 1-based): chr2:148,458,819, G>A. VCF-style: chr2-148458819-G-A. GRCh37 (hg19) VCF-style: chr2-149216388-G-A.
Other names: c.61G>A, p.Val21Ile (NM_018328.5); short protein forms V21I.
Identifiers: ClinVar variation 3660800 (VCV003660800.2).

ClinVar aggregate classification (germline): Uncertain significance (1 of 4 stars; one submission).

Conditions:
Intellectual developmental disorder, autosomal dominant 1. Also called: MBD5 Haploinsufficiency; Intellectual disability, autosomal dominant 1. Identifiers: Orphanet 228402, MedGen C1969562, MONDO:0007974, OMIM 156200.

gnomAD v4.1: 1 of 1,613,690 alleles (0.000062%); highest among the groups gnomAD compares: Non-Finnish European, 0.000085%; no homozygotes.

Submission:

Labcorp Genetics (formerly Invitae), Labcorp
Classification: Uncertain significance for Intellectual developmental disorder, autosomal dominant 1. Last evaluated: 2024-07-30. Review status: criteria provided, single submitter. Criteria: Invitae Variant Classification Sherloc (09022015). Collection method: clinical testing. Allele origin: germline.
Comment: This sequence change replaces valine, which is neutral and non-polar, with isoleucine, which is neutral and non-polar, at codon 21 of the MBD5 protein (p.Val21Ile). This variant is present in population databases (no rsID available, gnomAD 0.0009%). This variant has not been reported in the literature in individuals affected with MBD5-related conditions. Advanced modeling of protein sequence and biophysical properties (such as structural, functional, and spatial information, amino acid conservation, physicochemical variation, residue mobility, and thermodynamic stability) performed at Invitae indicates that this missense variant is not expected to disrupt MBD5 protein function with a negative predictive value of 80%. In summary, the available evidence is currently insufficient to determine the role of this variant in disease. Therefore, it has been classified as a Variant of Uncertain Significance.